The following is an entry in ClinVar:

ClinVar aggregate classification (germline): Pathogenic (1 of 4 stars; one submission).

Conditions:
Autosomal recessive spastic paraplegia type 78. Identifiers: Orphanet 513436, MedGen C5567893, MONDO:0014975, OMIM 617225.
Kufor-Rakeb syndrome (KRS). Also called: PARKINSON DISEASE 9, AUTOSOMAL RECESSIVE, JUVENILE-ONSET. Identifiers: Orphanet 306674, Orphanet 314632, MedGen C1847640, MONDO:0011706, OMIM 606693.

Submission:

Labcorp Genetics (formerly Invitae), Labcorp
Classification: Pathogenic for Kufor-Rakeb syndrome; Autosomal recessive spastic paraplegia type 78. Last evaluated: 2024-10-17. Review status: criteria provided, single submitter. Criteria: Invitae Variant Classification Sherloc (09022015). Collection method: clinical testing. Allele origin: germline.
Comment: This sequence change creates a premature translational stop signal (p.Gln322Argfs*5) in the ATP13A2 gene. It is expected to result in an absent or disrupted protein product. Loss-of-function variants in ATP13A2 are known to be pathogenic (PMID: 16964263, 21696388). This variant is not present in population databases (gnomAD no frequency). This variant has not been reported in the literature in individuals affected with ATP13A2-related conditions. ClinVar contains an entry for this variant (Variation ID: 2021882). For these reasons, this variant has been classified as Pathogenic.

Literature cited by the submitters: PubMed 16964263; PubMed 21696388.

NM_022089.4(ATP13A2):c.965del (p.Gln322fs)

Gene: ATP13A2 (ATPase cation transporting 13A2; minus strand). Cytogenetic location: 1p36.13.
Variant type: Deletion.
Coding change: c.965del on transcript NM_022089.4 (MANE Select); coding-DNA position 965, one base deleted (A; older notation c.965delA).
Protein change: p.Gln322fs; shifts the reading frame from glutamine 322.
Molecular consequence: frameshift variant.
Genome position (GRCh38, 1-based): chr1:17,000,085, T deleted on the plus strand (A on the coding strand, the reverse complement: ATP13A2 is on the minus strand). VCF-style (leftmost placement, unchanged base first): chr1-17000084-CT-C. GRCh37 (hg19) VCF-style: chr1-17326579-CT-C.
Other names: c.950del, p.Gln317fs (NM_001141973.3, NM_001141974.3); short protein forms Q317fs, Q322fs.
Identifiers: ClinVar variation 2021882 (VCV002021882.4), dbSNP rs2523972211, ClinGen allele CA2580060644.
Genomic context (GRCh38, chr1:17,000,084, plus strand): 5'-CTCATTCACCATGCACTCGCCGGCCACCAGGGCGGCATCACAGGGCATCAGCCCACCCTC[CT>C]GGGGCAGCACCAGGCAGTCTCCGGGCACTAGCTCACTGGAGTCCACCCACTCTTCCTCTG-3'